The following is an entry in ClinVar:

ClinVar aggregate classification (germline): Benign/Likely benign. Review status: criteria provided, multiple submitters, no conflicts (2 of 4 stars). 9 submissions from 8 submitters: Benign (8); Likely benign (1). Last evaluated 2026-02-01.

Conditions:
Disorder of bone. Also called: Bone disease; Bone disorder; Rare bone disease related to a common gene or pathway defect. Identifiers: Orphanet 364803, MedGen C0005940, MONDO:0005381.
Osteogenesis imperfecta (OI). Identifiers: Orphanet 666, MedGen C0029434, MeSH D010013, MONDO:0019019.

Allele frequency attached by ClinVar (database versions not stated): gnomAD exomes 0.00213 and 0.00563; ExAC 0.00795; gnomAD 0.02297 and 0.02476; 1000 Genomes Project 0.02356; ESP Exome Variant Server 0.02438; 1000 Genomes Project 30x 0.02467; TOPMed 0.02547.
gnomAD v4.1: 6,722 of 1,609,482 alleles (0.42%); highest among the groups gnomAD compares: African/African-American, 7.9%; 267 homozygotes.

Submissions (9):

Labcorp Genetics (formerly Invitae), Labcorp
Classification: Benign. Last evaluated: 2026-02-01. Review status: criteria provided, single submitter. Criteria: Invitae Variant Classification Sherloc (09022015). Collection method: clinical testing. Allele origin: germline.

ARUP Laboratories, Molecular Genetics and Genomics, ARUP Laboratories
Classification: Benign. Last evaluated: 2025-05-02. Review status: criteria provided, single submitter. Criteria: ARUP Molecular Germline Variant Investigation Process 2024. Collection method: clinical testing. Allele origin: germline.

Blueprint Genetics
Classification: Likely benign. Last evaluated: 2024-11-26. Review status: criteria provided, single submitter. Criteria: ACMG Guidelines, 2015. Collection method: clinical testing. Allele origin: germline.

Genome Diagnostics Laboratory, The Hospital for Sick Children
Classification: Benign for Disorder of bone. Last evaluated: 2024-05-22. Review status: criteria provided, single submitter. Criteria: ACMG Guidelines, 2015. Collection method: clinical testing. Allele origin: germline. Affected: yes.
Comment: This intronic variant is classified as Benign (ACMG criteria - BS1, BS2, BP6, BP4)

Mayo Clinic Laboratories, Mayo Clinic
Classification: Benign. Last evaluated: 2023-04-03. Review status: criteria provided, single submitter. Criteria: ACMG Guidelines, 2015. Collection method: clinical testing. Allele origin: germline. Observed: 6 variant alleles.

Genome Diagnostics Laboratory, The Hospital for Sick Children
Classification: Benign for Osteogenesis imperfecta. Last evaluated: 2019-08-01. Review status: criteria provided, single submitter. Criteria: ACMG Guidelines, 2015. Collection method: clinical testing. Allele origin: germline.

GeneDx
Classification: Benign. Last evaluated: 2015-03-03. Review status: criteria provided, single submitter. Criteria: GeneDx Variant Classification Process June 2021. Collection method: clinical testing. Allele origin: germline. Affected: yes.

Eurofins Ntd Llc (ga)
Classification: Benign. Last evaluated: 2015-02-26. Review status: criteria provided, single submitter. Criteria: EGL Classification Definitions 2015. Collection method: clinical testing. Allele origin: germline. Observed: 1 variant allele, 1 heterozygote.

Breakthrough Genomics
Classification: Benign. Review status: criteria provided, single submitter. Criteria: ACMG Guidelines, 2015. Collection method: not provided. Allele origin: germline. Inheritance: Autosomal recessive inheritance. Affected: yes.

NM_002335.4(LRP5):c.4000+10T>A

Gene: LRP5 (LDL receptor related protein 5; plus strand). Cytogenetic location: 11q13.2.
Variant type: single nucleotide variant.
Coding change: c.4000+10T>A on transcript NM_002335.4 (MANE Select); 10 bases into the intron after coding-DNA position 4000, T replaced by A.
Molecular consequence: intron variant.
Genome position (GRCh38, 1-based): chr11:68,433,848, T>A. VCF-style: chr11-68433848-T-A. GRCh37 (hg19) VCF-style: chr11-68201316-T-A.
Other names: p.?; c.2257+10T>A (NM_001291902.2).
Identifiers: ClinVar variation 194836 (VCV000194836.24), dbSNP rs116068042, ClinGen allele CA201379.